The following is an entry in ClinVar:

NM_004415.4(DSP):c.3913del (p.Asp1305fs)

Gene: DSP (desmoplakin; plus strand). Cytogenetic location: 6p24.3.
Variant type: Deletion.
Coding change: c.3913del on transcript NM_004415.4 (MANE Select); coding-DNA position 3913, one base deleted (G; older notation c.3913delG).
Protein change: p.Asp1305fs; shifts the reading frame from aspartic acid 1305.
Molecular consequence: frameshift variant. On other transcripts: intron variant (1).
Genome position (GRCh38, 1-based): chr6:7,580,103, G deleted; the last of 2 consecutive G bases (chr6:7,580,102-7,580,103); deleting either gives the same sequence. VCF-style (leftmost placement, unchanged base first): chr6-7580101-AG-A. GRCh37 (hg19) VCF-style: chr6-7580334-AG-A.
Other names: c.3913del, p.Asp1305fs (NM_001319034.2); c.3582+331del (NM_001008844.3); short protein forms D1305fs.
Identifiers: ClinVar variation 3376666 (VCV003376666.1).

ClinVar aggregate classification (germline): Likely pathogenic (1 of 4 stars; one submission).

Conditions:
Primary dilated cardiomyopathy (DCM). Also called: Dilated Cardiomyopathy. Identifiers: Orphanet 217604, MedGen C0007193, MeSH D002311, MONDO:0005021, HP:0001644. Inheritance: Various modes of inheritance.

Submission:

Victorian Clinical Genetics Services, Murdoch Childrens Research Institute
Classification: Likely pathogenic for Primary dilated cardiomyopathy. Last evaluated: 2022-02-02. Review status: criteria provided, single submitter. Criteria: ACMG Guidelines, 2015. Collection method: clinical testing. Allele origin: germline. Inheritance: Autosomal dominant inheritance. Affected: yes.
Comment: Based on the classification scheme VCGS_Germline_v1.3.4, this variant is classified as likely pathogenic. Following criteria are met: 0102 - Loss of function is a known mechanism of disease in this gene and is associated with ARVC (MIM#607450) and other DSP-related cardiac disorders. (I) 0108 - This gene is associated with both recessive and dominant disease. Variants in this gene are usually inherited in a dominant manner, however rare reports of recessive inheritance have resulted in a more severe cardiac phenotype (OMIM). (I) 0115 - Variants in this gene are known to have variable expressivity. Age-dependent penetrance and variable expressivity are well-described aspects of arrhythmogenic cardiomyopathy (PMID: 29062697). (I) 0201 - Variant is predicted to cause nonsense-mediated decay (NMD) and loss of protein (premature termination codon is located at least 54 nucleotides upstream of the final exon-exon junction). (SP) 0251 - This variant is heterozygous. (I) 0301 - Variant is absent from gnomAD (both v2 and v3). (SP) 0701 - Other NMD-predicted variants comparable to the one identified in this case have very strong previous evidence for pathogenicity. At least 10 other NMD-predicted variants have been reported as pathogenic or likely pathogenic in individuals with dilated cardiomyopathy (PMID: 27532257, ClinVar). (SP) 0807 - This variant has no previous evidence of pathogenicity. (I) 0905 - No published segregation evidence has been identified for this variant. (I) 1007 - No published functional evidence has been identified for this variant. (I) 1208 - Inheritance information for this variant is not currently available in this individual. (I) Legend: (SP) - Supporting pathogenic, (I) - Information, (SB) - Supporting benign

Literature cited by the submitters: PubMed 27532257; PubMed 29062697.